The following is an entry in ClinVar:

ClinVar aggregate classification (germline): Uncertain significance (1 of 4 stars; one submission).

Conditions:
Megalencephaly-polymicrogyria-postaxial polydactyly-hydrocephalus syndrome. Also called: MEG-PMG-MEGACC SYNDROME; MPPH Syndrome. Identifiers: Orphanet 83473, MedGen C1863924, MONDO:0019375.

Allele frequency attached by ClinVar (database versions not stated): TOPMed below 0.00001.
gnomAD v4.1: 2 of 1,220,452 alleles (0.00016%); highest among the groups gnomAD compares: Non-Finnish European, 0.0001%; no homozygotes.

Submission:

Labcorp Genetics (formerly Invitae), Labcorp
Classification: Uncertain significance for Megalencephaly-polymicrogyria-postaxial polydactyly-hydrocephalus syndrome. Last evaluated: 2019-06-01. Review status: criteria provided, single submitter. Criteria: Invitae Variant Classification Sherloc (09022015). Collection method: clinical testing. Allele origin: germline.
Comment: In summary, the available evidence is currently insufficient to determine the role of this variant in disease. Therefore, it has been classified as a Variant of Uncertain Significance. Algorithms developed to predict the effect of missense changes on protein structure and function output the following: SIFT: "Tolerated"; PolyPhen-2: "Benign"; Align-GVGD: "Class C0". The threonine amino acid residue is found in multiple mammalian species, suggesting that this missense change does not adversely affect protein function. These predictions have not been confirmed by published functional studies and their clinical significance is uncertain. This variant has not been reported in the literature in individuals with PIK3R2-related disease. While this variant is not present in population databases, the frequency information is unreliable, as metrics indicate poor data quality at this position in the ExAC database. This sequence change replaces proline with threonine at codon 241 of the PIK3R2 protein (p.Pro241Thr). The proline residue is weakly conserved and there is a small physicochemical difference between proline and threonine.

NM_005027.4(PIK3R2):c.721C>A (p.Pro241Thr)

Genes: PIK3R2 (phosphoinositide-3-kinase regulatory subunit 2; plus strand), LOC130063979 (ATAC-STARR-seq lymphoblastoid silent region 10375; plus strand). Cytogenetic location: 19p13.11.
Variant type: single nucleotide variant.
Coding change: c.721C>A on transcript NM_005027.4 (MANE Select); coding-DNA position 721, C replaced by A.
Protein change: p.Pro241Thr; replaces proline 241 with threonine.
Molecular consequence: missense variant. On other transcripts: non-coding transcript variant (1).
Genome position (GRCh38, 1-based): chr19:18,161,401, C>A. VCF-style: chr19-18161401-C-A. GRCh37 (hg19) VCF-style: chr19-18272211-C-A.
Other names: c.721C>A, p.Pro241Thr (LRG_1392t1); short protein forms P241T.
Identifiers: ClinVar variation 536232 (VCV000536232.11), dbSNP rs1168878327, ClinGen allele CA404806084.